The following is an entry in ClinVar:

ClinVar aggregate classification (germline): Likely benign. Review status: criteria provided, multiple submitters, no conflicts (2 of 4 stars). 2 submissions from 2 submitters: Likely benign (2). Last evaluated 2026-02-01.

Allele frequency attached by ClinVar (database versions not stated): ExAC 0.00141; gnomAD exomes 0.00360.

Submissions (2):

CeGaT Center for Human Genetics Tuebingen
Classification: Likely benign. Last evaluated: 2026-02-01. Review status: criteria provided, single submitter. Criteria: CeGaT Center For Human Genetics Tuebingen Variant Classification Criteria Version 2. Collection method: clinical testing. Allele origin: germline. Affected: yes. Observed: 2 variant alleles.
Comment: EP400: BP4, BP7

Labcorp Genetics (formerly Invitae), Labcorp
Classification: Likely benign. Last evaluated: 2019-12-31. Review status: criteria provided, single submitter. Criteria: Invitae Variant Classification Sherloc (09022015). Collection method: clinical testing. Allele origin: germline.

NM_015409.5(EP400):c.891A>G (p.Thr297=)

Gene: EP400 (E1A binding protein p400; plus strand). Cytogenetic location: 12q24.33.
Variant type: single nucleotide variant.
Coding change: c.891A>G on transcript NM_015409.5 (MANE Select); coding-DNA position 891, A replaced by G.
Protein change: p.Thr297=; no amino-acid change (threonine 297 retained).
Molecular consequence: synonymous variant.
Genome position (GRCh38, 1-based): chr12:131,961,510, A>G. VCF-style: chr12-131961510-A-G. GRCh37 (hg19) VCF-style: chr12-132446055-A-G.
Identifiers: ClinVar variation 781983 (VCV000781983.18), dbSNP rs185428452, ClinGen allele CA6884569.